The following is an entry in ClinVar:

ClinVar aggregate classification (germline): Uncertain significance. Review status: criteria provided, multiple submitters, no conflicts (2 of 4 stars). 2 submissions from 2 submitters: Uncertain significance (2). Last evaluated 2025-10-03.

Conditions:
Autosomal recessive proximal renal tubular acidosis (PRTAO). Also called: RENAL TUBULAR ACIDOSIS, PROXIMAL, WITH OCULAR ABNORMALITIES AND MENTAL RETARDATION; RTA, PROXIMAL, AUTOSOMAL RECESSIVE; PROXIMAL RENAL TUBULAR ACIDOSIS-OCULAR ANOMALY SYNDROME; RENAL TUBULAR ACIDOSIS, PROXIMAL, WITH OCULAR ABNORMALITIES AND IMPAIRED INTELLECTUAL DEVELOPMENT. Identifiers: Orphanet 93607, MedGen C1970309, MONDO:0011422, OMIM 604278.

gnomAD v4.1: 5 of 1,612,088 alleles (0.00031%); highest among the groups gnomAD compares: African/African-American, 0.0013%; no homozygotes.

Submissions (2):

Rare Kidney Stone Consortium and the Mayo Clinic Hyperoxaluria Center, Mayo Clinic
Classification: Uncertain significance for Autosomal recessive proximal renal tubular acidosis. Last evaluated: 2025-10-03. Review status: criteria provided, single submitter. Criteria: ACMG Guidelines, 2015. Collection method: research. Allele origin: germline. Observed: 1 variant allele.
Comment: ACMG:PM1, PM2, PP3

Fulgent Genetics
Classification: Uncertain significance for Autosomal recessive proximal renal tubular acidosis. Last evaluated: 2024-01-01. Review status: criteria provided, single submitter. Criteria: ACMG Guidelines, 2015. Collection method: clinical testing. Allele origin: germline.

Literature cited by the submitters: PubMed 40794449 (cited by Rare Kidney Stone Consortium and the Mayo Clinic Hyperoxaluria Center, Mayo Clinic).

NM_001098484.3(SLC4A4):c.2449G>A (p.Ala817Thr)

Gene: SLC4A4 (solute carrier family 4 member 4; plus strand). Cytogenetic location: 4q13.3.
Variant type: single nucleotide variant.
Coding change: c.2449G>A on transcript NM_001098484.3 (MANE Select); coding-DNA position 2449, G replaced by A.
Protein change: p.Ala817Thr; replaces alanine 817 with threonine.
Molecular consequence: missense variant.
Genome position (GRCh38, 1-based): chr4:71,546,356, G>A. VCF-style: chr4-71546356-G-A. GRCh37 (hg19) VCF-style: chr4-72412073-G-A.
Other names: c.2449G>A, p.Ala817Thr (NM_001134742.2); c.2317G>A, p.Ala773Thr (NM_003759.4); short protein forms A817T, A773T.
Identifiers: ClinVar variation 3590821 (VCV003590821.2).